The following is an entry in ClinVar:

ClinVar aggregate classification (germline): Likely benign. Review status: criteria provided, multiple submitters, no conflicts (2 of 4 stars). 3 submissions from 3 submitters: Likely benign (3). Last evaluated 2025-03-05.

Conditions:
Hereditary diffuse leukoencephalopathy with spheroids. Also called: LEUKOENCEPHALOPATHY, ADULT-ONSET, WITH AXONAL SPHEROIDS AND PIGMENTED GLIA. Identifiers: Orphanet 313808, MedGen C3711381, MONDO:0030796.

Allele frequency attached by ClinVar (database versions not stated): TOPMed 0.00001.
gnomAD v4.1: 29 of 1,599,842 alleles (0.0018%); highest among the groups gnomAD compares: Non-Finnish European, 0.00043%; no homozygotes.

Submissions (3):

Labcorp Genetics (formerly Invitae), Labcorp
Classification: Likely benign. Last evaluated: 2025-03-05. Review status: criteria provided, single submitter. Criteria: Invitae Variant Classification Sherloc (09022015). Collection method: clinical testing. Allele origin: germline.

Blueprint Genetics
Classification: Likely benign. Last evaluated: 2019-11-29. Review status: criteria provided, single submitter. Criteria: ACMG Guidelines, 2015. Collection method: clinical testing. Allele origin: germline.

Illumina Laboratory Services, Illumina
Classification: Likely benign for Leukoencephalopathy, diffuse hereditary, with spheroids 1. Last evaluated: 2018-01-13. Review status: criteria provided, single submitter. Criteria: ICSL Variant Classification Criteria 13 December 2019. Collection method: clinical testing. Allele origin: germline.
Comment: This variant was observed in the ICSL laboratory as part of a predisposition screen in an ostensibly healthy population. It had not been previously curated by ICSL or reported in the Human Gene Mutation Database (HGMD: prior to June 1st, 2018), and was therefore a candidate for classification through an automated scoring system. Utilizing variant allele frequency, disease prevalence and penetrance estimates, and inheritance mode, an automated score was calculated to assess if this variant is too frequent to cause the disease. Based on the score and internal cut-off values, a variant classified as likely benign is not then subjected to further curation. The score for this variant resulted in a classification of likely benign for this disease.

NM_001288705.3(CSF1R):c.49+14G>C

Genes: CSF1R (colony stimulating factor 1 receptor; minus strand), LOC111188156 (CSF1R promoter/intronic regulatory region; plus strand). Cytogenetic location: 5q32.
Variant type: single nucleotide variant.
Coding change: c.49+14G>C on transcript NM_001288705.3 (MANE Select); 14 bases into the intron after coding-DNA position 49, G replaced by C.
Molecular consequence: intron variant.
Genome position (GRCh38, 1-based): chr5:150,086,365, C>G on the plus strand (G>C on the coding strand, the complement: CSF1R is on the minus strand). VCF-style: chr5-150086365-C-G. GRCh37 (hg19) VCF-style: chr5-149465928-C-G.
Other names: c.-395-5341G>C (NM_001375321.1); c.49+14G>C (NM_005211.4, NM_001375320.1, NM_001349736.2).
Identifiers: ClinVar variation 907499 (VCV000907499.9), dbSNP rs770236615, ClinGen allele CA3507315.